The following is an entry in ClinVar:

NM_001184.4(ATR):c.5609A>G (p.His1870Arg)

Gene: ATR (ATR serine/threonine kinase; minus strand). Cytogenetic location: 3q23.
Variant type: single nucleotide variant.
Coding change: c.5609A>G on transcript NM_001184.4 (MANE Select); coding-DNA position 5609, A replaced by G.
Protein change: p.His1870Arg; replaces histidine 1870 with arginine.
Molecular consequence: missense variant.
Genome position (GRCh38, 1-based): chr3:142,497,142, T>C on the plus strand (A>G on the coding strand, the complement: ATR is on the minus strand). VCF-style: chr3-142497142-T-C. GRCh37 (hg19) VCF-style: chr3-142215984-T-C.
Other names: c.5417A>G, p.His1806Arg (NM_001354579.2); short protein forms H1806R, H1870R.
Identifiers: ClinVar variation 955525 (VCV000955525.7), dbSNP rs2031696803, ClinGen allele CA354814891.

ClinVar aggregate classification (germline): Uncertain significance (1 of 4 stars; one submission).

Allele frequency attached by ClinVar (database versions not stated): TOPMed 0.00002.
gnomAD v4.1: 3 of 1,614,108 alleles (0.00019%); no homozygotes.

Submission:

Labcorp Genetics (formerly Invitae), Labcorp
Classification: Uncertain significance. Last evaluated: 2022-10-29. Review status: criteria provided, single submitter. Criteria: Invitae Variant Classification Sherloc (09022015). Collection method: clinical testing. Allele origin: germline.
Comment: This variant has not been reported in the literature in individuals affected with ATR-related conditions. This variant is not present in population databases (gnomAD no frequency). This sequence change replaces histidine, which is basic and polar, with arginine, which is basic and polar, at codon 1870 of the ATR protein (p.His1870Arg). ClinVar contains an entry for this variant (Variation ID: 955525). In summary, the available evidence is currently insufficient to determine the role of this variant in disease. Therefore, it has been classified as a Variant of Uncertain Significance. Algorithms developed to predict the effect of missense changes on protein structure and function (SIFT, PolyPhen-2, Align-GVGD) all suggest that this variant is likely to be tolerated.